The following is an entry in ClinVar:

NM_001723.7(DST):c.7205A>G (p.Asn2402Ser)

Gene: DST (dystonin; minus strand). Cytogenetic location: 6p12.1.
Variant type: single nucleotide variant.
Coding change: c.7205A>G on transcript NM_001723.7 (MANE Plus Clinical); coding-DNA position 7205, A replaced by G.
Protein change: p.Asn2402Ser; replaces asparagine 2402 with serine.
Molecular consequence: missense variant. On other transcripts: intron variant (10).
Genome position (GRCh38, 1-based): chr6:56,616,262, T>C on the plus strand (A>G on the coding strand, the complement: DST is on the minus strand). VCF-style: chr6-56616262-T-C. GRCh37 (hg19) VCF-style: chr6-56481060-T-C.
Other names: c.4831-1778A>G (NM_001144769.5); c.4930-1778A>G (NM_001374722.1, NM_001374736.1); c.4957-1778A>G (NM_001374734.1); c.4417-1778A>G (NM_001144770.2); c.4297-1778A>G (NM_001374730.1, NM_001386100.1, NM_183380.4 and 1 more transcripts); c.3319-1778A>G (NM_015548.5); short protein forms N2402S.
Identifiers: ClinVar variation 541484 (VCV000541484.25), dbSNP rs115473902, ClinGen allele CA3870009.

ClinVar aggregate classification (germline): Benign/Likely benign. Review status: criteria provided, multiple submitters, no conflicts (2 of 4 stars). 4 submissions from 4 submitters: Benign (2); Likely benign (2). Last evaluated 2026-01-15.

Conditions:
Hereditary sensory and autonomic neuropathy type 6. Also called: HSAN VI; Neuropathy, hereditary sensory and autonomic, type VI. Identifiers: Orphanet 314381, MedGen C3539003, MONDO:0013839, OMIM 614653.
Epidermolysis bullosa simplex 3, localized or generalized intermediate, with BP230 deficiency (EBS3). Also called: Epidermolysis bullosa simplex, autosomal recessive 2; Epidermolysis bullosa simplex due to BP230 deficiency. Identifiers: Orphanet 412181, MedGen C3809470, MONDO:0014180, OMIM 615425.
DST-related disorder. Also called: DST-related disorders; DST-related condition.

Allele frequency attached by ClinVar (database versions not stated): gnomAD exomes 0.00028 and 0.00080; ExAC 0.00101; 1000 Genomes Project 30x 0.00281; gnomAD 0.00291 and 0.00305; TOPMed 0.00332; 1000 Genomes Project 0.00339; ESP Exome Variant Server 0.00354.
gnomAD v4.1: 885 of 1,614,128 alleles (0.055%); highest among the groups gnomAD compares: African/African-American, 0.98%; 3 homozygotes.

Submissions (4):

Labcorp Genetics (formerly Invitae), Labcorp
Classification: Benign for Epidermolysis bullosa simplex 3, localized or generalized intermediate, with BP230 deficiency; Hereditary sensory and autonomic neuropathy type 6. Last evaluated: 2026-01-15. Review status: criteria provided, single submitter. Criteria: Invitae Variant Classification Sherloc (09022015). Collection method: clinical testing. Allele origin: germline.

PreventionGenetics, part of Exact Sciences
Classification: Benign for DST-related condition. Last evaluated: 2025-10-09. Review status: criteria provided, single submitter. Criteria: ACMG Guidelines, 2015. Collection method: clinical testing. Allele origin: germline.
Comment: This variant is classified as benign based on ACMG/AMP sequence variant interpretation guidelines (Richards et al. 2015 PMID: 25741868, with internal and published modifications).

CeGaT Center for Human Genetics Tuebingen
Classification: Likely benign. Last evaluated: 2025-07-01. Review status: criteria provided, single submitter. Criteria: CeGaT Center For Human Genetics Tuebingen Variant Classification Criteria Version 2. Collection method: clinical testing. Allele origin: germline. Affected: yes. Observed: 1 variant allele.
Comment: DST: BP4

GeneDx
Classification: Likely benign. Last evaluated: 2024-07-15. Review status: criteria provided, single submitter. Criteria: GeneDx Variant Classification Process June 2021. Collection method: clinical testing. Allele origin: germline. Affected: yes.
Comment: See Variant Classification Assertion Criteria.